The following is an entry in ClinVar:

ClinVar aggregate classification (germline): Uncertain significance (1 of 4 stars; one submission).

Submission:

GeneDx
Classification: Uncertain significance. Last evaluated: 2024-12-11. Review status: criteria provided, single submitter. Criteria: GeneDx Variant Classification Process June 2021. Collection method: clinical testing. Allele origin: germline. Affected: yes.
Comment: Not observed at significant frequency in large population cohorts (gnomAD); In silico analysis supports that this missense variant has a deleterious effect on protein structure/function; Has not been previously published as pathogenic or benign to our knowledge; In silico analysis suggests this variant may impact gene splicing. In the absence of RNA/functional studies, the actual effect of this sequence change is unknown.

NM_005273.4(GNB2):c.844G>A (p.Gly282Arg)

Gene: GNB2 (G protein subunit beta 2; plus strand). Cytogenetic location: 7q22.1.
Variant type: single nucleotide variant.
Coding change: c.844G>A on transcript NM_005273.4 (MANE Select); coding-DNA position 844, G replaced by A.
Protein change: p.Gly282Arg; replaces glycine 282 with arginine.
Molecular consequence: missense variant.
Genome position (GRCh38, 1-based): chr7:100,678,542, G>A. VCF-style: chr7-100678542-G-A. GRCh37 (hg19) VCF-style: chr7-100276165-G-A.
Other names: short protein forms G282R.
Identifiers: ClinVar variation 3902902 (VCV003902902.1).